The following is an entry in ClinVar:

NM_000138.5(FBN1):c.8538A>C (p.Glu2846Asp)

Gene: FBN1 (fibrillin 1; minus strand). Cytogenetic location: 15q21.1.
Variant type: single nucleotide variant.
Coding change: c.8538A>C on transcript NM_000138.5 (MANE Select); coding-DNA position 8538, A replaced by C.
Protein change: p.Glu2846Asp; replaces glutamic acid 2846 with aspartic acid.
Molecular consequence: missense variant.
Genome position (GRCh38, 1-based): chr15:48,411,068, T>G on the plus strand (A>C on the coding strand, the complement: FBN1 is on the minus strand). VCF-style: chr15-48411068-T-G. GRCh37 (hg19) VCF-style: chr15-48703265-T-G.
Other names: short protein forms E2846D.
Identifiers: ClinVar variation 1172081 (VCV001172081.3), dbSNP rs778948309, ClinGen allele CA269518593.

ClinVar aggregate classification (germline): Uncertain significance (1 of 4 stars; one submission).

Conditions:
Familial thoracic aortic aneurysm and aortic dissection (TAAD). Also called: Thoracic aortic aneurysms and dissections. Identifiers: Orphanet 91387, MedGen C4707243, MONDO:0019625.

Allele frequency attached by ClinVar (database versions not stated): gnomAD exomes below 0.00001; TOPMed below 0.00001; gnomAD 0.00001.
gnomAD v4.1: 4 of 1,613,846 alleles (0.00025%); highest among the groups gnomAD compares: Non-Finnish European, 0.00034%; no homozygotes.

Submission:

Color Diagnostics, LLC DBA Color Health
Classification: Uncertain significance for Familial thoracic aortic aneurysm and aortic dissection. Last evaluated: 2024-03-07. Review status: criteria provided, single submitter. Criteria: ACMG Guidelines, 2015. Collection method: clinical testing. Allele origin: germline.
Comment: This missense variant replaces glutamic acid with aspartic acid at codon 2846 of the FBN1 protein. Computational prediction suggests that this variant may not impact protein structure and function (internally defined REVEL score threshold <= 0.5, PMID: 27666373). To our knowledge, functional studies have not been reported for this variant. This variant has not been reported in individuals affected with cardiovascular disorders in the literature. This variant has been identified in 1/251194 chromosomes in the general population by the Genome Aggregation Database (gnomAD). The available evidence is insufficient to determine the role of this variant in disease conclusively. Therefore, this variant is classified as a Variant of Uncertain Significance.